The following is an entry in ClinVar:

ClinVar aggregate classification (germline): Conflicting classifications of pathogenicity. Review status: criteria provided, conflicting classifications (1 of 4 stars). 2 submissions from 2 submitters: Likely pathogenic (1); Likely benign (1). Last evaluated 2025-08-29.

Conditions:
Hypophosphatasia. Also called: Phosphoethanol-aminuria. Identifiers: Orphanet 436, MedGen C0020630, MeSH D007014, MONDO:0018570.

Submissions (2):

Genomenon, Inc
Classification: Likely pathogenic for Hypophosphatasia. Last evaluated: 2025-08-29. Review status: criteria provided, single submitter. Criteria: Genomenon Sequence Variant Interpretation Standards. Collection method: curation. Allele origin: germline. Affected: yes.
Comment: ALPL c.498_500del is an in-frame deletion variant that results in the deletion of a single amino acid, Threonine, at position 167. This variant has been observed in at least one proband affected with hypophosphatasia (PMID:38234425). At least one functional study has demonstrated a substantial alteration in protein function relative to the wild-type (PMID:38234425). It is absent or not present at a significant frequency in gnomAD. In conclusion, we classify ALPL p.Thr167del (c.498_500del) as a likely pathogenic variant.

JKU Lab, Dept of Paediatrics, Johannes Kepler University
Classification: Likely benign for Hypophosphatasia. Last evaluated: 2023-04-25. Review status: criteria provided, single submitter. Criteria: ACMG Guidelines, 2015. Collection method: clinical testing. Allele origin: germline. Affected: yes. Observed: 1 homozygote.
Comment: The variant is present in GnomAD with a frequency of 0.00197% (ƒ = 0.0000197) in total. The ACMG criteria applied can be looked up in the ALPL gene variant database.

Literature cited by the submitters: PubMed 38234425 (cited by Genomenon, Inc).

NM_000478.6(ALPL):c.495CAC[1] (p.Thr167del)

Gene: ALPL (alkaline phosphatase, biomineralization associated; plus strand). Cytogenetic location: 1p36.12.
Variant type: Microsatellite.
Coding change: c.495CAC[1] on transcript NM_000478.6 (MANE Select); one copy of the 3-base unit CAC starting at c.495; the reference has two copies in a row; one copy, 3 bases deleted; also written c.498_500del.
Protein change: p.Thr167del; deletes threonine 167.
Molecular consequence: inframe deletion.
Genome position (GRCh38, 1-based): chr1:21,564,066-21,564,068, CAC deleted; deleting any 3 consecutive bases within chr1:21,564,061-21,564,068 gives the same sequence; the position shown is the placement nearest the transcript's 3' end. VCF-style (leftmost placement, unchanged base first): chr1-21564060-GACC-G. GRCh37 (hg19) VCF-style: chr1-21890553-GACC-G.
Other names: c.330CAC[1], p.Thr112del (NM_001127501.4); c.264CAC[1], p.Thr90del (NM_001177520.3); c.495CAC[1], p.Thr167del (NM_001369803.2, NM_001369804.2, NM_001369805.2); c.498_500del (NM_000478.6); short protein forms T167del, T90del, T112del.
Identifiers: ClinVar variation 3024106 (VCV003024106.3), dbSNP rs2545303392, ClinGen allele CA2740090617.